The following is an entry in ClinVar:

NM_005859.5(PURA):c.312del (p.Met104fs)

Gene: PURA (purine rich element binding protein A; plus strand). Cytogenetic location: 5q31.3.
Variant type: Deletion.
Coding change: c.312del on transcript NM_005859.5 (MANE Select); coding-DNA position 312, one base deleted (G; older notation c.312delG).
Protein change: p.Met104fs; shifts the reading frame from methionine 104.
Molecular consequence: frameshift variant.
Genome position (GRCh38, 1-based): chr5:140,114,493, G deleted. VCF-style (leftmost placement, unchanged base first): chr5-140114492-TG-T. GRCh37 (hg19) VCF-style: chr5-139494077-TG-T.
Other names: short protein forms M104fs.
Identifiers: ClinVar variation 645290 (VCV000645290.9), dbSNP rs1581036297, ClinGen allele CA915942636.

ClinVar aggregate classification (germline): Pathogenic (1 of 4 stars; one submission).

Conditions:
PURA-related severe neonatal hypotonia-seizures-encephalopathy syndrome (NEDRIHF). Also called: NEURODEVELOPMENTAL DISORDER WITH NEONATAL RESPIRATORY INSUFFICIENCY, HYPOTONIA, AND FEEDING DIFFICULTIES; PURA-Related Neurodevelopmental Disorders. Identifiers: Orphanet 438213, Orphanet 438216, MedGen C4015357, MONDO:1060108, OMIM 616158, MONDO:0018580.

Submission:

Labcorp Genetics (formerly Invitae), Labcorp
Classification: Pathogenic for PURA-related severe neonatal hypotonia-seizures-encephalopathy syndrome. Last evaluated: 2022-08-09. Review status: criteria provided, single submitter. Criteria: Invitae Variant Classification Sherloc (09022015). Collection method: clinical testing. Allele origin: germline.
Comment: For these reasons, this variant has been classified as Pathogenic. This variant disrupts a region of the PURA protein in which other variant(s) (p.Tyr261*) have been determined to be pathogenic (PMID: 25439098). This suggests that this is a clinically significant region of the protein, and that variants that disrupt it are likely to be disease-causing. ClinVar contains an entry for this variant (Variation ID: 645290). This variant has not been reported in the literature in individuals affected with PURA-related conditions. This variant is not present in population databases (gnomAD no frequency). This sequence change creates a premature translational stop signal (p.Met104Ilefs*121) in the PURA gene. While this is not anticipated to result in nonsense mediated decay, it is expected to disrupt the last 219 amino acid(s) of the PURA protein.

Literature cited by the submitters: PubMed 25439098.